The following is an entry in ClinVar:

NM_201525.4(ADGRG1):c.760C>T (p.Arg254Trp)

Gene: ADGRG1 (adhesion G protein-coupled receptor G1; plus strand). Cytogenetic location: 16q21.
Variant type: single nucleotide variant.
Coding change: c.760C>T on transcript NM_201525.4 (MANE Select); coding-DNA position 760, C replaced by T.
Protein change: p.Arg254Trp; replaces arginine 254 with tryptophan.
Molecular consequence: missense variant.
Genome position (GRCh38, 1-based): chr16:57,654,125, C>T. VCF-style: chr16-57654125-C-T. GRCh37 (hg19) VCF-style: chr16-57688037-C-T.
Other names: c.760C>T, p.Arg254Trp (NM_001145770.3, NM_001145771.3, NM_001145772.3 and 16 more transcripts); c.775C>T, p.Arg259Trp (NM_001145773.3, NM_001370433.1); c.250C>T, p.Arg84Trp (NM_001290142.2); c.235C>T, p.Arg79Trp (NM_001290143.2, NM_001290144.2, NM_001370451.1 and 2 more transcripts); c.604C>T, p.Arg202Trp (NM_001370442.1); short protein forms R259W, R79W, R84W, R202W, R254W.
Identifiers: ClinVar variation 888059 (VCV000888059.17), dbSNP rs368130981, ClinGen allele CA8078498.

ClinVar aggregate classification (germline): Conflicting classifications of pathogenicity. Review status: criteria provided, conflicting classifications (1 of 4 stars). 5 submissions from 5 submitters: Uncertain significance (3); Likely benign (1). 1 of the submissions does not count toward it. Last evaluated 2025-08-01.

Conditions:
Bilateral frontoparietal polymicrogyria. Also called: CORTICAL DYSPLASIA, COMPLEX, WITH OTHER BRAIN MALFORMATIONS 14A (BILATERAL FRONTOPARIETAL); CEREBELLAR ATAXIA WITH NEURONAL MIGRATION DEFECT. Identifiers: Orphanet 101070, MedGen C1847352, MONDO:0011738, OMIM 606854.
Inborn genetic diseases. Identifiers: MedGen C0950123, MeSH D030342.

Allele frequency attached by ClinVar (database versions not stated): gnomAD exomes 0.00006 and 0.00010; ESP Exome Variant Server 0.00008; ExAC 0.00009; TOPMed 0.00011; gnomAD 0.00014.
gnomAD v4.1: 105 of 1,612,656 alleles (0.0065%); highest among the groups gnomAD compares: East Asian, 0.053%; no homozygotes.

Submissions (5):

GeneDx
Classification: Uncertain significance. Last evaluated: 2025-08-01. Review status: criteria provided, single submitter. Criteria: GeneDx Variant Classification Process June 2021. Collection method: clinical testing. Allele origin: germline. Affected: yes.
Comment: In silico analysis suggests that this missense variant does not alter protein structure/function; Has not been previously published as pathogenic or benign to our knowledge

Ambry Genetics
Classification: Uncertain significance for Inborn genetic diseases. Last evaluated: 2024-12-31. Review status: criteria provided, single submitter. Criteria: Ambry Variant Classification Scheme 2023. Collection method: clinical testing. Allele origin: germline.

Labcorp Genetics (formerly Invitae), Labcorp
Classification: Likely benign. Last evaluated: 2024-03-14. Review status: criteria provided, single submitter. Criteria: Invitae Variant Classification Sherloc (09022015). Collection method: clinical testing. Allele origin: germline.

Illumina Laboratory Services, Illumina
Classification: Uncertain significance for Bilateral frontoparietal polymicrogyria. Last evaluated: 2017-04-27. Review status: criteria provided, single submitter. Criteria: ICSL Variant Classification Criteria 13 December 2019. Collection method: clinical testing. Allele origin: germline.

Natera, Inc.
Classification: Uncertain significance for Bilateral frontoparietal polymicrogyria. Last evaluated: 2020-02-13. Review status: no assertion criteria provided. Collection method: clinical testing. Allele origin: germline. Not counted in ClinVar's aggregate classification.